The following is an entry in ClinVar:

NM_001199753.2(CPT1C):c.2071A>G (p.Met691Val)

Gene: CPT1C (carnitine palmitoyltransferase 1C; plus strand). Cytogenetic location: 19q13.33.
Variant type: single nucleotide variant.
Coding change: c.2071A>G on transcript NM_001199753.2 (MANE Select); coding-DNA position 2071, A replaced by G.
Protein change: p.Met691Val; replaces methionine 691 with valine.
Molecular consequence: missense variant. On other transcripts: non-coding transcript variant (1).
Genome position (GRCh38, 1-based): chr19:49,712,787, A>G. VCF-style: chr19-49712787-A-G. GRCh37 (hg19) VCF-style: chr19-50216044-A-G.
Other names: c.2038A>G, p.Met680Val (NM_001136052.3, NM_001378485.1); c.2071A>G, p.Met691Val (NM_001199752.3, NM_001378483.1, NM_001378484.1 and 1 more transcripts); c.2137A>G, p.Met713Val (NM_001378482.1); c.1936A>G, p.Met646Val (NM_001378486.1, NM_001378488.1); c.1903A>G, p.Met635Val (NM_001378487.1); short protein forms M680V, M691V, M713V, M635V, M646V.
Identifiers: ClinVar variation 2158206 (VCV002158206.4), dbSNP rs2083988180, ClinGen allele CA406910030.
Genomic context (GRCh38, chr19:49,712,787, plus strand): 5'-TGTCCTCAGGTCCATTCGGAGCAGTGGCAGCTGTCCACCAGCCAGATCCCTGTTCAGCAA[A>G]TGCATCTGTTTGACGTCCACAATTACCCGGACTATGTTTCCTCAGGCGGTGGATTCGGGC-3'
Protein context (NP_001186682.1, residues 681-701): LSTSQIPVQQ[Met691Val]HLFDVHNYPD

ClinVar aggregate classification (germline): Uncertain significance (1 of 4 stars; one submission).

Conditions:
Hereditary spastic paraplegia 73. Also called: Spastic paraplegia 73, autosomal dominant. Identifiers: Orphanet 444099, MedGen C5568981, MONDO:0014568, OMIM 616282.

Allele frequency attached by ClinVar (database versions not stated): gnomAD exomes below 0.00001; gnomAD 0.00001.
gnomAD v4.1: 5 of 1,613,928 alleles (0.00031%); highest among the groups gnomAD compares: Non-Finnish European, 0.00042%; no homozygotes.

Submission:

Labcorp Genetics (formerly Invitae), Labcorp
Classification: Uncertain significance for Hereditary spastic paraplegia 73. Last evaluated: 2025-12-17. Review status: criteria provided, single submitter. Criteria: Invitae Variant Classification Sherloc (09022015). Collection method: clinical testing. Allele origin: germline.
Comment: This sequence change replaces methionine, which is neutral and non-polar, with valine, which is neutral and non-polar, at codon 680 of the CPT1C protein (p.Met680Val). This variant is not present in population databases (gnomAD no frequency). This variant has not been reported in the literature in individuals affected with CPT1C-related conditions. ClinVar contains an entry for this variant (Variation ID: 2158206). An algorithm developed to predict the effect of missense changes on protein structure and function outputs the following: PolyPhen-2: "Benign". The valine amino acid residue is found in multiple mammalian species, which suggests that this missense change does not adversely affect protein function. In summary, the available evidence is currently insufficient to determine the role of this variant in disease. Therefore, it has been classified as a Variant of Uncertain Significance.